The following is an entry in ClinVar:

ClinVar aggregate classification (germline): Conflicting classifications of pathogenicity. Review status: criteria provided, conflicting classifications (1 of 4 stars). 2 submissions from 2 submitters: Uncertain significance (1); Likely benign (1). Last evaluated 2025-05-04.

Conditions:
Singleton-Merten syndrome 1 (SGMRT1). Also called: Widened medullary cavities of bone, aortic calcification, abnormal dentition, and muscular weakness; Syndrome of widened medullary cavities of the metacarpals and phalanges, aortic calcification and abnormal dentition. Identifiers: Orphanet 85191, MedGen C4225427, MONDO:0024535, OMIM 182250.
Aicardi-Goutieres syndrome 7 (AGS7). Identifiers: Orphanet 51, MedGen C3888244, MONDO:0014367, OMIM 615846.

Submissions (2):

GeneDx
Classification: Uncertain significance. Last evaluated: 2025-05-04. Review status: criteria provided, single submitter. Criteria: GeneDx Variant Classification Process June 2021. Collection method: clinical testing. Allele origin: germline. Affected: yes.
Comment: Not observed at significant frequency in large population cohorts (gnomAD); Has not been previously published as pathogenic or benign to our knowledge; Frameshift variant predicted to result in protein truncation or nonsense mediated decay in a gene for which loss-of-function is not an established mechanism of disease

Labcorp Genetics (formerly Invitae), Labcorp
Classification: Likely benign for Aicardi-Goutieres syndrome 7; Singleton-Merten syndrome 1. Last evaluated: 2024-03-04. Review status: criteria provided, single submitter. Criteria: Invitae Variant Classification Sherloc (09022015). Collection method: clinical testing. Allele origin: germline.

NM_022168.4(IFIH1):c.1056del (p.Ala353fs)

Gene: IFIH1 (interferon induced with helicase C domain 1; minus strand). Cytogenetic location: 2q24.2.
Variant type: Deletion.
Coding change: c.1056del on transcript NM_022168.4 (MANE Select); coding-DNA position 1056, one base deleted (A; older notation c.1056delA).
Protein change: p.Ala353fs; shifts the reading frame from alanine 353.
Molecular consequence: frameshift variant.
Genome position (GRCh38, 1-based): chr2:162,288,174, T deleted on the plus strand (A on the coding strand, the reverse complement: IFIH1 is on the minus strand); the first of 6 consecutive T bases (chr2:162,288,174-162,288,179); deleting any one gives the same sequence. VCF-style (leftmost placement, unchanged base first): chr2-162288173-CT-C. GRCh37 (hg19) VCF-style: chr2-163144683-CT-C.
Other names: c.1056del (NM_022168.3); short protein forms A353fs.
Identifiers: ClinVar variation 3755053 (VCV003755053.3).